The following is an entry in ClinVar:

NM_005343.4(HRAS):c.457G>T (p.Glu153Ter)

Genes: HRAS (HRas proto-oncogene, GTPase; minus strand), LRRC56 (leucine rich repeat containing 56; plus strand). Cytogenetic location: 11p15.5.
Variant type: single nucleotide variant.
Coding change: c.457G>T on transcript NM_005343.4 (MANE Select); coding-DNA position 457, G replaced by T.
Protein change: p.Glu153Ter; replaces glutamic acid 153 with a stop codon.
Molecular consequence: nonsense. On other transcripts: 3 prime UTR variant (1).
Genome position (GRCh38, 1-based): chr11:532,749, C>A on the plus strand (G>T on the coding strand, the complement: HRAS is on the minus strand). VCF-style: chr11-532749-C-A. GRCh37 (hg19) VCF-style: chr11-532749-C-A.
Other names: c.457G>T, p.Glu153Ter (NM_001130442.3); c.220G>T, p.Glu74Ter (NM_001318054.2); c.*26G>T (NM_176795.5); short protein forms E153*, E74*.
Identifiers: ClinVar variation 2810889 (VCV002810889.3), dbSNP rs2539784800, ClinGen allele CA378921247.
Genomic context (GRCh38, chr11:532,749, plus strand): 5'-GGTTCAGCTTCCGCAGCTTGTGCTGCCGGATCTCACGCACCAACGTGTAGAAGGCATCCT[C>A]CACTCCCTGGGAAAGGAGGGATGGGATCAGGAGGGACCGGCCTGTGGCCGCCTGCCTGGG-3'

ClinVar aggregate classification (germline): Uncertain significance (1 of 4 stars; one submission).

Conditions:
Costello syndrome (CSTLO). Also called: FACIOCUTANEOSKELETAL SYNDROME; FCS SYNDROME; HRAS-Related Costello Syndrome. Identifiers: Orphanet 3071, MedGen C0587248, MONDO:0009026, OMIM 218040.

Submission:

Labcorp Genetics (formerly Invitae), Labcorp
Classification: Uncertain significance for Costello syndrome. Last evaluated: 2022-10-31. Review status: criteria provided, single submitter. Criteria: Invitae Variant Classification Sherloc (09022015). Collection method: clinical testing. Allele origin: germline.
Comment: This sequence change creates a premature translational stop signal (p.Glu153*) in the HRAS gene. It is expected to result in an absent or disrupted protein product. However, the current clinical and genetic evidence is not sufficient to establish whether loss-of-function variants in HRAS cause disease. This variant is not present in population databases (gnomAD no frequency). This variant has not been reported in the literature in individuals affected with HRAS-related conditions. Algorithms developed to predict the effect of sequence changes on RNA splicing suggest that this variant may create or strengthen a splice site. In summary, the available evidence is currently insufficient to determine the role of this variant in disease. Therefore, it has been classified as a Variant of Uncertain Significance.